The following is an entry in ClinVar:

NM_001114134.2(EPB42):c.10+60C>T

Gene: EPB42 (erythrocyte membrane protein band 4.2; minus strand). Cytogenetic location: 15q15.2.
Variant type: single nucleotide variant.
Coding change: c.10+60C>T on transcript NM_001114134.2 (MANE Select); 60 bases into the intron after coding-DNA position 10, C replaced by T.
Molecular consequence: intron variant. On other transcripts: missense variant (1).
Genome position (GRCh38, 1-based): chr15:43,220,756, G>A on the plus strand (C>T on the coding strand, the complement: EPB42 is on the minus strand). VCF-style: chr15-43220756-G-A. GRCh37 (hg19) VCF-style: chr15-43512954-G-A.
Other names: p.Pro24Ser; c.70C>T, p.Pro24Ser (NM_000119.3); short protein forms P24S.
Identifiers: ClinVar variation 316029 (VCV000316029.24), dbSNP rs144428415, ClinGen allele CA7520724.

ClinVar aggregate classification (germline): Conflicting classifications of pathogenicity. Review status: criteria provided, conflicting classifications (1 of 4 stars). 4 submissions from 4 submitters: Uncertain significance (3); Likely benign (1). Last evaluated 2025-10-28.

Conditions:
Hereditary spherocytosis type 5. Also called: EPB42-Related Spherocytosis; EPB42-Related Hereditary Spherocytosis. Identifiers: Orphanet 822, MedGen C2675192, MONDO:0012985, OMIM 612690.

Allele frequency attached by ClinVar (database versions not stated): 1000 Genomes Project 30x 0.00016; TOPMed 0.00071; gnomAD 0.00074 and 0.00070; ESP Exome Variant Server 0.00077; ExAC 0.00090; 1000 Genomes Project 0.00020.
gnomAD v4.1: 1,751 of 1,610,882 alleles (0.11%); highest among the groups gnomAD compares: Middle Eastern, 0.15%; 1 homozygote.

Submissions (4):

Mayo Clinic Laboratories, Mayo Clinic
Classification: Uncertain significance. Last evaluated: 2025-10-28. Review status: criteria provided, single submitter. Criteria: ACMG Guidelines, 2015. Collection method: clinical testing. Allele origin: germline. Observed: 4 variant alleles.
Comment: BS2, BP4_strong

Labcorp Genetics (formerly Invitae), Labcorp
Classification: Likely benign. Last evaluated: 2025-08-04. Review status: criteria provided, single submitter. Criteria: Invitae Variant Classification Sherloc (09022015). Collection method: clinical testing. Allele origin: germline.

ARUP Laboratories, Molecular Genetics and Genomics, ARUP Laboratories
Classification: Uncertain significance for Hereditary spherocytosis type 5. Last evaluated: 2025-07-28. Review status: criteria provided, single submitter. Criteria: ARUP Molecular Germline Variant Investigation Process 2024. Collection method: clinical testing. Allele origin: germline.
Comment: The EPB42 c.70C>T; p.Pro24Ser variant (rs144428415), to our knowledge, is not reported in the medical literature but is reported in ClinVar (Variation ID: 316029). This variant is found in the general population with an overall allele frequency of 0.09% (259/282430 alleles) in the Genome Aggregation Database (v2.1.1). Computational analyses are uncertain whether this variant is neutral or deleterious (REVEL: 0.153). Due to limited information, the clinical significance of this variant is uncertain at this time.

Illumina Laboratory Services, Illumina
Classification: Uncertain significance for Hereditary spherocytosis type 5. Last evaluated: 2018-01-13. Review status: criteria provided, single submitter. Criteria: ICSL Variant Classification Criteria 13 December 2019. Collection method: clinical testing. Allele origin: germline.